The following is an entry in ClinVar:

NM_152384.3(BBS5):c.770A>G (p.Tyr257Cys)

Gene: BBS5 (Bardet-Biedl syndrome 5; plus strand). Cytogenetic location: 2q31.1.
Variant type: single nucleotide variant.
Coding change: c.770A>G on transcript NM_152384.3 (MANE Select); coding-DNA position 770, A replaced by G.
Protein change: p.Tyr257Cys; replaces tyrosine 257 with cysteine.
Molecular consequence: missense variant.
Genome position (GRCh38, 1-based): chr2:169,499,574, A>G. VCF-style: chr2-169499574-A-G. GRCh37 (hg19) VCF-style: chr2-170356084-A-G.
Other names: c.770A>G (NM_152384.2); short protein forms Y257C.
Identifiers: ClinVar variation 1522903 (VCV001522903.9), dbSNP rs376537695, ClinGen allele CA1956313.

ClinVar aggregate classification (germline): Uncertain significance. Review status: criteria provided, multiple submitters, no conflicts (2 of 4 stars). 6 submissions from 6 submitters: Uncertain significance (6). Last evaluated 2026-02-28.

Conditions:
Inborn genetic diseases. Identifiers: MedGen C0950123, MeSH D030342.
Bardet-Biedl syndrome (BBS). Identifiers: Orphanet 110, MedGen C0752166, MONDO:0015229.
BBS5-related disorder. Also called: BBS5-related condition.
Bardet-Biedl syndrome 5 (BBS5). Identifiers: Orphanet 110, MedGen C3892039, MONDO:0014434, OMIM 615983.

Allele frequency attached by ClinVar (database versions not stated): 1000 Genomes Project 30x 0.00031; gnomAD 0.00004 and 0.00005; gnomAD exomes 0.00004; ExAC 0.00005; ESP Exome Variant Server 0.00015.

Submissions (6):

PreventionGenetics, part of Exact Sciences
Classification: Uncertain significance for BBS5-related condition. Last evaluated: 2026-02-28. Review status: criteria provided, single submitter. Criteria: ACMG Guidelines, 2015. Collection method: clinical testing. Allele origin: germline.
Comment: The BBS5 c.770A>G variant is predicted to result in the amino acid substitution p.Tyr257Cys. To our knowledge, this variant has not been reported in the literature. This variant is reported in 0.013% of alleles in individuals of South Asian descent in gnomAD. At this time, the clinical significance of this variant is uncertain due to the absence of conclusive functional and genetic evidence.

Ambry Genetics
Classification: Uncertain significance for Inborn genetic diseases. Last evaluated: 2025-01-01. Review status: criteria provided, single submitter. Criteria: Ambry Variant Classification Scheme 2023. Collection method: clinical testing. Allele origin: germline.

Fulgent Genetics
Classification: Uncertain significance for Bardet-Biedl syndrome 5. Last evaluated: 2024-02-29. Review status: criteria provided, single submitter. Criteria: ACMG Guidelines, 2015. Collection method: clinical testing. Allele origin: germline.

New York Genome Center
Classification: Uncertain significance for Bardet-Biedl syndrome 5. Last evaluated: 2023-03-21. Review status: criteria provided, single submitter. Criteria: NYGC Assertion Criteria 2020. Collection method: clinical testing. Allele origin: germline. Observed: 1 heterozygote.

Labcorp Genetics (formerly Invitae), Labcorp
Classification: Uncertain significance for Bardet-Biedl syndrome. Last evaluated: 2022-10-05. Review status: criteria provided, single submitter. Criteria: Invitae Variant Classification Sherloc (09022015). Collection method: clinical testing. Allele origin: germline.
Comment: This sequence change replaces tyrosine, which is neutral and polar, with cysteine, which is neutral and slightly polar, at codon 257 of the BBS5 protein (p.Tyr257Cys). This variant is present in population databases (rs376537695, gnomAD 0.01%). This variant has not been reported in the literature in individuals affected with BBS5-related conditions. ClinVar contains an entry for this variant (Variation ID: 1522903). Algorithms developed to predict the effect of missense changes on protein structure and function (SIFT, PolyPhen-2, Align-GVGD) all suggest that this variant is likely to be disruptive. In summary, the available evidence is currently insufficient to determine the role of this variant in disease. Therefore, it has been classified as a Variant of Uncertain Significance.

Blueprint Genetics
Classification: Uncertain significance. Last evaluated: 2022-08-30. Review status: criteria provided, single submitter. Criteria: ACMG Guidelines, 2015. Collection method: clinical testing. Allele origin: germline.